The following is an entry in ClinVar:

ClinVar aggregate classification (germline): Uncertain significance (1 of 4 stars; one submission).

Submission:

Labcorp Genetics (formerly Invitae), Labcorp
Classification: Uncertain significance. Last evaluated: 2025-04-21. Review status: criteria provided, single submitter. Criteria: Invitae Variant Classification Sherloc (09022015). Collection method: clinical testing. Allele origin: germline.
Comment: This sequence change replaces glycine, which is neutral and non-polar, with glutamic acid, which is acidic and polar, at codon 773 of the ADGRV1 protein (p.Gly773Glu). This variant is not present in population databases (gnomAD no frequency). This variant has not been reported in the literature in individuals affected with ADGRV1-related conditions. ClinVar contains an entry for this variant (Variation ID: 2077877). Invitae Evidence Modeling of protein sequence and biophysical properties (such as structural, functional, and spatial information, amino acid conservation, physicochemical variation, residue mobility, and thermodynamic stability) indicates that this missense variant is not expected to disrupt ADGRV1 protein function with a negative predictive value of 95%. In summary, the available evidence is currently insufficient to determine the role of this variant in disease. Therefore, it has been classified as a Variant of Uncertain Significance.

NM_032119.4(ADGRV1):c.2318G>A (p.Gly773Glu)

Gene: ADGRV1 (adhesion G protein-coupled receptor V1; plus strand). Cytogenetic location: 5q14.3.
Variant type: single nucleotide variant.
Coding change: c.2318G>A on transcript NM_032119.4 (MANE Select); coding-DNA position 2318, G replaced by A.
Protein change: p.Gly773Glu; replaces glycine 773 with glutamic acid.
Molecular consequence: missense variant. On other transcripts: non-coding transcript variant (1).
Genome position (GRCh38, 1-based): chr5:90,642,713, G>A. VCF-style: chr5-90642713-G-A. GRCh37 (hg19) VCF-style: chr5-89938530-G-A.
Other names: short protein forms G773E.
Identifiers: ClinVar variation 2077877 (VCV002077877.4), dbSNP rs2531977176, ClinGen allele CA360387447.